The following is an entry in ClinVar:

ClinVar aggregate classification (germline): Uncertain significance (1 of 4 stars; one submission).

Conditions:
Hereditary cancer-predisposing syndrome. Also called: Neoplastic Syndromes, Hereditary; Tumor predisposition; Hereditary neoplastic syndrome; Hereditary Cancer Syndrome. Identifiers: Orphanet 140162, MedGen C0027672, MeSH D009386, MONDO:0015356.

gnomAD v4.1: 1 of 1,613,566 alleles (0.000062%); highest among the groups gnomAD compares: Non-Finnish European, 0.000085%; no homozygotes.

Submission:

Ambry Genetics
Classification: Uncertain significance for Hereditary cancer-predisposing syndrome. Last evaluated: 2026-07-07. Review status: criteria provided, single submitter. Criteria: Ambry Variant Classification Scheme 2023. Collection method: clinical testing. Allele origin: germline.
Comment: The p.H864R variant (also known as c.2591A>G), located in coding exon 19 of the MSH3 gene, results from an A to G substitution at nucleotide position 2591. The histidine at codon 864 is replaced by arginine, an amino acid with highly similar properties. This amino acid position is conserved. In addition, this alteration is predicted to be deleterious by in silico analysis. Based on the available evidence, the clinical significance of this variant remains unclear.

NM_002439.5(MSH3):c.2591A>G (p.His864Arg)

Gene: MSH3 (mutS homolog 3; plus strand). Cytogenetic location: 5q14.1.
Variant type: single nucleotide variant.
Coding change: c.2591A>G on transcript NM_002439.5 (MANE Select); coding-DNA position 2591, A replaced by G.
Protein change: p.His864Arg; replaces histidine 864 with arginine.
Molecular consequence: missense variant.
Genome position (GRCh38, 1-based): chr5:80,792,780, A>G. VCF-style: chr5-80792780-A-G. GRCh37 (hg19) VCF-style: chr5-80088599-A-G.
Other names: short protein forms H864R.
Identifiers: ClinVar variation 5024788 (VCV005024788.1).